The following is an entry in ClinVar:

ClinVar aggregate classification (germline): Uncertain significance (1 of 4 stars; one submission).

Submission:

GeneDx
Classification: Uncertain significance. Last evaluated: 2025-08-01. Review status: criteria provided, single submitter. Criteria: GeneDx Variant Classification Process June 2021. Collection method: clinical testing. Allele origin: germline. Affected: yes.
Comment: In-frame deletion of 1 amino acid(s) in a non-repeat region; Not observed at significant frequency in large population cohorts (gnomAD); In silico analysis supports a deleterious effect on protein structure/function; Has not been previously published as pathogenic or benign to our knowledge

NM_015021.3(ZNF292):c.6818TCC[1] (p.Leu2274del)

Gene: ZNF292 (zinc finger protein 292; plus strand). Cytogenetic location: 6q14.3.
Variant type: Microsatellite.
Coding change: c.6818TCC[1] on transcript NM_015021.3 (MANE Select); one copy of the 3-base unit TCC starting at c.6818; the reference has two copies in a row; one copy, 3 bases deleted.
Protein change: p.Leu2274del; deletes leucine 2274.
Molecular consequence: inframe deletion.
Genome position (GRCh38, 1-based): chr6:87,260,450-87,260,452, TCC deleted; deleting any 3 consecutive bases within chr6:87,260,446-87,260,452 gives the same sequence; the position shown is the placement nearest the transcript's 3' end. VCF-style (leftmost placement, unchanged base first): chr6-87260445-TCTC-T. GRCh37 (hg19) VCF-style: chr6-87970163-TCTC-T.
Other names: c.6398TCC[1], p.Leu2134del (NM_001351444.2); short protein forms L2134del, L2274del.
Identifiers: ClinVar variation 4689970 (VCV004689970.1).
Genomic context (GRCh38, chr6:87,260,445, plus strand): 5'-AGATGGTGTATACAAATGTGATTGTGAAGGCTGTGACCGTATATATGCAACCCGGTCGAA[TCTC>T]CTCCGACACATTTTTAATAAGCATAATGACAAACATAAGGCTCATTTGATTCGTCCAAGA-3'